The following is an entry in ClinVar:

NM_001323289.2(CDKL5):c.1667A>G (p.Asp556Gly)

Gene: CDKL5 (cyclin dependent kinase like 5; plus strand). Cytogenetic location: Xp22.13.
Variant type: single nucleotide variant.
Coding change: c.1667A>G on transcript NM_001323289.2 (MANE Select); coding-DNA position 1667, A replaced by G.
Protein change: p.Asp556Gly; replaces aspartic acid 556 with glycine.
Molecular consequence: missense variant.
Genome position (GRCh38, 1-based): chrX:18,604,591, A>G. VCF-style: chrX-18604591-A-G. GRCh37 (hg19) VCF-style: chrX-18622711-A-G.
Other names: c.1667A>G, p.Asp556Gly (NM_001037343.2, NM_003159.3); short protein forms D556G.
Identifiers: ClinVar variation 1479406 (VCV001479406.6), dbSNP rs2147160978, ClinGen allele CA412362191.

ClinVar aggregate classification (germline): Uncertain significance (1 of 4 stars; one submission).

Conditions:
Angelman syndrome-like. Identifiers: MedGen CN128785.
Developmental and epileptic encephalopathy, 2 (DEE2). Also called: INFANTILE SPASM SYNDROME, X-LINKED 2; CDKL5 deficiency disorder. Identifiers: Orphanet 1934, Orphanet 3451, Orphanet 505652, MedGen C4750718, MONDO:0010396, OMIM 300672.

Submission:

Labcorp Genetics (formerly Invitae), Labcorp
Classification: Uncertain significance for Developmental and epileptic encephalopathy, 2; Angelman syndrome-like. Last evaluated: 2021-09-10. Review status: criteria provided, single submitter. Criteria: Invitae Variant Classification Sherloc (09022015). Collection method: clinical testing. Allele origin: germline.
Comment: This sequence change replaces aspartic acid with glycine at codon 556 of the CDKL5 protein (p.Asp556Gly). The aspartic acid residue is highly conserved and there is a moderate physicochemical difference between aspartic acid and glycine. This variant is not present in population databases (ExAC no frequency). This variant has not been reported in the literature in individuals affected with CDKL5-related conditions. Advanced modeling of protein sequence and biophysical properties (such as structural, functional, and spatial information, amino acid conservation, physicochemical variation, residue mobility, and thermodynamic stability) performed at Invitae indicates that this missense variant is not expected to disrupt CDKL5 protein function. In summary, the available evidence is currently insufficient to determine the role of this variant in disease. Therefore, it has been classified as a Variant of Uncertain Significance.